The following continues an entry in ClinVar:

NM_000059.4(BRCA2):c.3103G>T (p.Glu1035Ter)

Gene: BRCA2. ClinVar aggregate classification (germline): Pathogenic. Pathogenic (1).

Submissions 8 to 22 of 22:

Color Diagnostics, LLC DBA Color Health
Classification: Pathogenic for Hereditary cancer-predisposing syndrome. Last evaluated: 2024-08-12. Review status: criteria provided, single submitter. Criteria: ACMG Guidelines, 2015. Collection method: clinical testing. Allele origin: germline. Not counted in ClinVar's aggregate classification.
Comment: This variant changes 1 nucleotide in exon 11 of the BRCA2 gene, creating a premature translation stop signal. This variant is expected to result in an absent or non-functional protein product. This variant has been detected in at least eight individuals affected with breast and ovarian cancer (PMID: 16912212, 17688236, 24333842, 25186627, 26296701, 26681312, 33471991, 34680387; Leiden Open Variation Database DB-ID BRCA2_002557; Color internal data) and one individual each affected with glioblastoma (PMID: 26787237) and prostate cancer (PMID: 33599307). A multifactorial analysis has reported a likelihood ratio based on personal and family history of 52.467 from log(LR)=1.719887733 (PMID: 31853058). This variant has been identified in 1/249486 chromosomes in the general population by the Genome Aggregation Database (gnomAD). Loss of BRCA2 function is a known mechanism of disease. Based on the available evidence, this variant is classified as Pathogenic.

Baylor Genetics
Classification: Pathogenic for Familial cancer of breast. Last evaluated: 2024-03-19. Review status: criteria provided, single submitter. Criteria: ACMG Guidelines, 2015. Collection method: clinical testing. Allele origin: unknown. Not counted in ClinVar's aggregate classification.

GeneDx
Classification: Pathogenic. Last evaluated: 2022-04-12. Review status: criteria provided, single submitter. Criteria: GeneDx Variant Classification Process June 2021. Collection method: clinical testing. Allele origin: germline. Affected: yes. Not counted in ClinVar's aggregate classification.
Comment: Nonsense variant predicted to result in protein truncation or nonsense mediated decay in a gene for which loss-of-function is a known mechanism of disease; Observed in individuals with BRCA2-related cancers (Ramus 2007, Ellingson 2015, Borazanci 2020); Not observed at a significant frequency in large population cohorts (gnomAD); Truncating variants in this gene are considered pathogenic by a well-established clinical consortium and/or database; Also known as 3331G>T; This variant is associated with the following publications: (PMID: 17688236, 27150160, 28152038, 30720243, 26296701, 24333842, 26787237, 25186627, 25525159, 26681312, 26786923, 16912212, 29446198, 31391296, 33372952, 30787465, 33087929)

Revvity Omics, Revvity
Classification: Pathogenic. Last evaluated: 2021-04-30. Review status: criteria provided, single submitter. Criteria: ACMG Guidelines, 2015. Collection method: clinical testing. Allele origin: germline. Not counted in ClinVar's aggregate classification.

HudsonAlpha Institute for Biotechnology
Classification: Pathogenic for Breast-ovarian cancer, familial, susceptibility to, 2. Last evaluated: 2019-12-11. Review status: criteria provided, single submitter. Criteria: ACMG Guidelines, 2015. Collection method: research. Allele origin: unknown. Observed: 1 variant allele. Study: AGHI_GT. Not counted in ClinVar's aggregate classification.

Laboratory for Molecular Medicine, Mass General Brigham Personalized Medicine
Classification: Pathogenic for Hereditary breast ovarian cancer syndrome. Last evaluated: 2019-10-14. Review status: criteria provided, single submitter. Criteria: ACMG Guidelines, 2015. Collection method: clinical testing. Allele origin: germline. Not counted in ClinVar's aggregate classification.
Comment: The p.Glu1035X variant in BRCA2 has been reported in at least 8 individuals with BRCA2-related cancers (Ramus 2007, Tung 2015, Meric-Bernstam 2016, Susswein 2016, BIC database). It has also been identified in 1/112890 European chromosomes by gnomAD; however, this frequency is low enough to be consistent with the frequency of hereditary breast and ovarian cancer (HBOC) in the general population. This variant leads to a premature termination codon at position 1035, which is predicted to lead to a truncated or absent protein. Loss of function of the BRCA2 gene is an established disease mechanism in autosomal dominant hereditary breast and ovarian cancer syndrome (HBOC). Additionally, this variant was classified as Pathogenic on Apr 22, 2016 by the ClinGen-approved ENIGMA expert panel (Variation ID: 51400). In summary, this variant meets criteria to be classified as pathogenic for autosomal dominant HBOC. ACMG/AMP Criteria applied: PVS1, PM2, PS4_Moderate.

Women's Health and Genetics/Laboratory Corporation of America, LabCorp
Classification: Pathogenic for Hereditary breast ovarian cancer syndrome. Last evaluated: 2017-07-24. Review status: criteria provided, single submitter. Criteria: LabCorp Variant Classification Summary - May 2015. Collection method: clinical testing. Allele origin: germline. Not counted in ClinVar's aggregate classification.
Comment: Variant summary: The BRCA2 c.3103G>T (p.Glu1035X) variant (legacy name 3331G>T) results in a premature termination codon, predicted to cause a truncated or absent BRCA2 protein due to nonsense mediated decay, which are commonly known mechanisms for disease. Truncations downstream of this position have been classified as pathogenic by our laboratory (e.g. p.Gln1063X, p.Gln1129X, and p.Arg2520X). This variant is absent in 120800 control chromosomes from ExAC. This variant has been reported in several HBOC patients in literature (Malone_2006, Ramus_2007, Conner_2014, Tung_2015, Ellingson_2015, Susswein_2015, Meric-Bernstam_2016). In addition, several clinical diagnostic laboratories/reputable databases have classified this variant as pathogenic. Taken together, this variant is classified as pathogenic.

ARUP Laboratories, Molecular Genetics and Genomics, ARUP Laboratories
Classification: Pathogenic. Last evaluated: 2016-10-12. Review status: criteria provided, single submitter. Criteria: ARUP Molecular Germline Variant Investigation Process. Collection method: clinical testing. Allele origin: germline. Not counted in ClinVar's aggregate classification.

Consortium of Investigators of Modifiers of BRCA1/2 (CIMBA), c/o University of Cambridge
Classification: Pathogenic for Breast-ovarian cancer, familial, susceptibility to, 2. Last evaluated: 2015-10-02. Review status: criteria provided, single submitter. Criteria: CIMBA Mutation Classification guidelines May 2016. Collection method: clinical testing. Allele origin: germline. Not counted in ClinVar's aggregate classification.

Human Genome Sequencing Center Clinical Lab, Baylor College of Medicine
Classification: Pathogenic for Rhabdomyosarcoma. Last evaluated: 2020-09-01. Review status: no assertion criteria provided. Collection method: provider interpretation. Allele origin: germline. Affected: yes. Not counted in ClinVar's aggregate classification.

True Health Diagnostics
Classification: Pathogenic for Hereditary cancer-predisposing syndrome. Last evaluated: 2017-12-01. Review status: no assertion criteria provided. Collection method: clinical testing. Allele origin: germline. Not counted in ClinVar's aggregate classification.

Counsyl
Classification: Pathogenic for Breast-ovarian cancer, familial, susceptibility to, 2. Last evaluated: 2016-09-06. Review status: no assertion criteria provided. Collection method: clinical testing. Allele origin: unknown. Not counted in ClinVar's aggregate classification.

Research Molecular Genetics Laboratory, Women's College Hospital, University of Toronto
Classification: Pathogenic for Hereditary breast ovarian cancer syndrome. Last evaluated: 2014-01-31. Review status: no assertion criteria provided. Collection method: research. Allele origin: germline. Affected: yes. Study: The Canadian Open Genetics Repository (COGR). Not counted in ClinVar's aggregate classification.

Sharing Clinical Reports Project (SCRP)
Classification: Pathogenic for Breast-ovarian cancer, familial 2. Last evaluated: 2013-12-03. Review status: no assertion criteria provided. Collection method: clinical testing. Allele origin: germline. Not counted in ClinVar's aggregate classification.

Breast Cancer Information Core (BIC) (BRCA2)
Classification: Pathogenic for Breast-ovarian cancer, familial 2. Last evaluated: 2004-02-20. Review status: no assertion criteria provided. Collection method: clinical testing. Allele origin: germline. Affected: yes. Observed: 4 variant alleles. Not counted in ClinVar's aggregate classification.

Literature cited by the submitters: PubMed 16912212 (cited by 7 submitters); PubMed 17688236 (cited by 8 submitters); PubMed 25186627 (cited by 6 submitters); PubMed 26296701 (cited by 7 submitters); PubMed 26681312 (cited by 7 submitters); PubMed 26787237 (cited by 6 submitters); PubMed 20104584 (cited by Labcorp Genetics (formerly Invitae), Labcorp); PubMed 16199546 (cited by Variantyx, Inc.); PubMed 17063271 (cited by Variantyx, Inc.); PubMed 29446198 (cited by Quest Diagnostics Nichols Institute San Juan Capistrano); PubMed 25525159 (cited by Quest Diagnostics Nichols Institute San Juan Capistrano); PubMed 36623239 (cited by Quest Diagnostics Nichols Institute San Juan Capistrano); PubMed 33372952 (cited by Quest Diagnostics Nichols Institute San Juan Capistrano and Human Genome Sequencing Center Clinical Lab, Baylor College of Medicine); PubMed 26295337 (cited by Quest Diagnostics Nichols Institute San Juan Capistrano); PubMed 24333842 (cited by All of Us Research Program, National Institutes of Health and Color Diagnostics, LLC DBA Color Health); PubMed 33471991 (cited by All of Us Research Program, National Institutes of Health and Color Diagnostics, LLC DBA Color Health); PubMed 33599307 (cited by All of Us Research Program, National Institutes of Health and Color Diagnostics, LLC DBA Color Health); PubMed 34680387 (cited by All of Us Research Program, National Institutes of Health and Color Diagnostics, LLC DBA Color Health); PubMed 31853058 (cited by Color Diagnostics, LLC DBA Color Health); PubMed 21702907 (cited by Women's Health and Genetics/Laboratory Corporation of America, LabCorp).